The following is an entry in ClinVar:

ClinVar aggregate classification (germline): Uncertain significance (1 of 4 stars; one submission).

Conditions:
Luscan-Lumish syndrome. Identifiers: Orphanet 597738, MedGen C4085873, MONDO:0014791, OMIM 616831.

Allele frequency attached by ClinVar (database versions not stated): gnomAD exomes below 0.00001; TOPMed below 0.00001; ExAC 0.00001; gnomAD 0.00001.
gnomAD v4.1: 8 of 1,612,580 alleles (0.0005%); highest among the groups gnomAD compares: East Asian, 0.0022%; no homozygotes.

Submission:

Neuberg Centre For Genomic Medicine, NCGM
Classification: Uncertain significance for Luscan-Lumish syndrome. Review status: criteria provided, single submitter. Criteria: ACMG Guidelines, 2015. Collection method: clinical testing. Allele origin: germline. Inheritance: Autosomal dominant inheritance. Affected: yes.
Comment: The observed missense variant c.6950C>T(p.Pro2317Leu) in SETD2 gene has not been reported previously as a pathogenic variant nor as a benign variant, to our knowledge. The c.6950C>T variant is reported with 0.001% allele frequency in gnomAD Exomes. The amino acid Proline at position 2317 is changed to a Leucine changing protein sequence and it might alter its composition and physico-chemical properties. The variant is predicted to be damaging by SIFT. The amino acid change p.Pro2317Leu in SETD2 is predicted as conserved by GERP++ and PhyloP across 100 vertebrates. For these reasons, this variant has been classified as Uncertain Significance.

NM_014159.7(SETD2):c.6950C>T (p.Pro2317Leu)

Gene: SETD2 (SET domain containing 2, histone lysine methyltransferase; minus strand). Cytogenetic location: 3p21.31.
Variant type: single nucleotide variant.
Coding change: c.6950C>T on transcript NM_014159.7 (MANE Select); coding-DNA position 6950, C replaced by T.
Protein change: p.Pro2317Leu; replaces proline 2317 with leucine.
Molecular consequence: missense variant. On other transcripts: non-coding transcript variant (1).
Genome position (GRCh38, 1-based): chr3:47,056,834, G>A on the plus strand (C>T on the coding strand, the complement: SETD2 is on the minus strand). VCF-style: chr3-47056834-G-A. GRCh37 (hg19) VCF-style: chr3-47098324-G-A.
Other names: c.6818C>T, p.Pro2273Leu (NM_001349370.3); short protein forms P2273L, P2317L.
Identifiers: ClinVar variation 3242015 (VCV003242015.1), dbSNP rs770500112.